The following is an entry in ClinVar:

NM_020964.3(EPG5):c.3598C>T (p.His1200Tyr)

Gene: EPG5 (ectopic P-granules 5 autophagy tethering factor; minus strand). Cytogenetic location: 18q21.1.
Variant type: single nucleotide variant.
Coding change: c.3598C>T on transcript NM_020964.3 (MANE Select); coding-DNA position 3598, C replaced by T.
Protein change: p.His1200Tyr; replaces histidine 1200 with tyrosine.
Molecular consequence: missense variant.
Genome position (GRCh38, 1-based): chr18:45,915,606, G>A on the plus strand (C>T on the coding strand, the complement: EPG5 is on the minus strand). VCF-style: chr18-45915606-G-A. GRCh37 (hg19) VCF-style: chr18-43495571-G-A.
Other names: short protein forms H1200Y.
Identifiers: ClinVar variation 1449899 (VCV001449899.6), dbSNP rs758515302, ClinGen allele CA8949122.

ClinVar aggregate classification (germline): Uncertain significance (1 of 4 stars; one submission).

Conditions:
Vici syndrome (VICIS). Identifiers: Orphanet 1493, MedGen C1855772, MONDO:0009452, OMIM 242840.

Allele frequency attached by ClinVar (database versions not stated): TOPMed below 0.00001; gnomAD 0.00001; gnomAD exomes 0.00001 and 0.00003; ExAC 0.00002.
gnomAD v4.1: 38 of 1,613,910 alleles (0.0024%); highest among the groups gnomAD compares: Non-Finnish European, 0.0032%; no homozygotes.

Submission:

Labcorp Genetics (formerly Invitae), Labcorp
Classification: Uncertain significance for Vici syndrome. Last evaluated: 2022-07-06. Review status: criteria provided, single submitter. Criteria: Invitae Variant Classification Sherloc (09022015). Collection method: clinical testing. Allele origin: germline.
Comment: This sequence change replaces histidine, which is basic and polar, with tyrosine, which is neutral and polar, at codon 1200 of the EPG5 protein (p.His1200Tyr). This variant is present in population databases (rs758515302, gnomAD 0.003%). This variant has not been reported in the literature in individuals affected with EPG5-related conditions. ClinVar contains an entry for this variant (Variation ID: 1449899). Algorithms developed to predict the effect of missense changes on protein structure and function are either unavailable or do not agree on the potential impact of this missense change (SIFT: "Deleterious"; PolyPhen-2: "Possibly Damaging"; Align-GVGD: "Class C15"). In summary, the available evidence is currently insufficient to determine the role of this variant in disease. Therefore, it has been classified as a Variant of Uncertain Significance.